The following is an entry in ClinVar:

ClinVar aggregate classification (germline): Likely pathogenic (1 of 4 stars; one submission).

Conditions:
Nemaline myopathy 2 (NEM2). Also called: Nemaline myopathy 2, autosomal recessive. Identifiers: MedGen C1850569, MONDO:0009725, OMIM 256030.

Submission:

Myriad Genetics, Inc.
Classification: Likely pathogenic for Nemaline myopathy 2. Last evaluated: 2022-01-02. Review status: criteria provided, single submitter. Criteria: Myriad Women's Health Autosomal Recessive and X-Linked Classification Criteria (2021). Collection method: clinical testing. Allele origin: unknown.
Comment: NM_001271208.1(NEB):c.5434A>T(R1812*) is expected to be pathogenic in the context of NEB-related nemaline myopathy. This variant is predicted to lead to an abnormal or absent protein product due to the creation of a premature termination codon in NEB, a gene where loss-of-function variants are known to be pathogenic. Please note: this variant was assessed in the context of healthy population screening.

NM_001164508.2(NEB):c.5434A>T (p.Arg1812Ter)

Gene: NEB (nebulin; minus strand). Cytogenetic location: 2q23.3.
Variant type: single nucleotide variant.
Coding change: c.5434A>T on transcript NM_001164508.2 (MANE Select); coding-DNA position 5434, A replaced by T.
Protein change: p.Arg1812Ter; replaces arginine 1812 with a stop codon.
Molecular consequence: nonsense.
Genome position (GRCh38, 1-based): chr2:151,664,518, T>A on the plus strand (A>T on the coding strand, the complement: NEB is on the minus strand). VCF-style: chr2-151664518-T-A. GRCh37 (hg19) VCF-style: chr2-152521032-T-A.
Other names: c.5434A>T, p.Arg1812Ter (NM_001164507.2, NM_001271208.2, NM_004543.5); short protein forms R1812*.
Identifiers: ClinVar variation 1726803 (VCV001726803.2), dbSNP rs1466182533, ClinGen allele CA348810230.
Genomic context (GRCh38, chr2:151,664,518, plus strand): 5'-TCTTACTTGCTCAACCCCAAAAAGGCCCAGTGCAAGCACTTACATCACTGGCAATGTCTC[T>A]AGAGGCTCTTGCAGCCTTTATTGCAATGGCATCAGGCCTCAGGTCATATCCTTTCTTCTT-3'